The following is an entry in ClinVar:

ClinVar aggregate classification (germline): Uncertain significance. Review status: criteria provided, multiple submitters, no conflicts (2 of 4 stars). 2 submissions from 2 submitters: Uncertain significance (2). Last evaluated 2023-02-23.

Conditions:
Inborn genetic diseases. Identifiers: MedGen C0950123, MeSH D030342.

Allele frequency attached by ClinVar (database versions not stated): gnomAD exomes below 0.00001.
gnomAD v4.1: 1 of 1,614,254 alleles (0.000062%); highest among the groups gnomAD compares: South Asian, 0.0011%; no homozygotes.

Submissions (2):

Ambry Genetics
Classification: Uncertain significance for Inborn genetic diseases. Last evaluated: 2023-02-23. Review status: criteria provided, single submitter. Criteria: Ambry Variant Classification Scheme 2023. Collection method: clinical testing. Allele origin: germline.

Labcorp Genetics (formerly Invitae), Labcorp
Classification: Uncertain significance. Last evaluated: 2021-09-15. Review status: criteria provided, single submitter. Criteria: Invitae Variant Classification Sherloc (09022015). Collection method: clinical testing. Allele origin: germline.
Comment: In summary, the available evidence is currently insufficient to determine the role of this variant in disease. Therefore, it has been classified as a Variant of Uncertain Significance. Algorithms developed to predict the effect of missense changes on protein structure and function (SIFT, PolyPhen-2, Align-GVGD) all suggest that this variant is likely to be disruptive. This variant has not been reported in the literature in individuals affected with CACNA1D-related conditions. This variant is not present in population databases (ExAC no frequency). This sequence change replaces aspartic acid with histidine at codon 434 of the CACNA1D protein (p.Asp434His). The aspartic acid residue is highly conserved and there is a moderate physicochemical difference between aspartic acid and histidine.

NM_001128840.3(CACNA1D):c.1300G>C (p.Asp434His)

Gene: CACNA1D (calcium voltage-gated channel subunit alpha1 D; plus strand). Cytogenetic location: 3p21.1.
Variant type: single nucleotide variant.
Coding change: c.1300G>C on transcript NM_001128840.3 (MANE Select); coding-DNA position 1300, G replaced by C.
Protein change: p.Asp434His; replaces aspartic acid 434 with histidine.
Molecular consequence: missense variant.
Genome position (GRCh38, 1-based): chr3:53,702,720, G>C. VCF-style: chr3-53702720-G-C. GRCh37 (hg19) VCF-style: chr3-53736747-G-C.
Other names: c.1300G>C (NM_000720.2); c.1300G>C, p.Asp434His (NM_000720.4, NM_001128839.3); short protein forms D434H.
Identifiers: ClinVar variation 1490572 (VCV001490572.7), dbSNP rs2108590867, ClinGen allele CA353384418.
Genomic context (GRCh38, chr3:53,702,720, plus strand): 5'-GAGAAGGCAAAAGCACGGGGAGATTTCCAGAAGCTCCGGGAGAAGCAGCAGCTGGAGGAG[G>C]ATCTAAAGGGCTACTTGGATTGGATCACCCAAGCTGAGGACATCGATCCGGAGAATGAGG-3'
Protein context (NP_001122312.1, residues 424-444): KLREKQQLEE[Asp434His]LKGYLDWITQ